The following is an entry in ClinVar:

ClinVar aggregate classification (germline): Uncertain significance (1 of 4 stars; one submission).

Conditions:
Familial thoracic aortic aneurysm and aortic dissection (TAAD). Also called: Thoracic aortic aneurysms and dissections. Identifiers: Orphanet 91387, MedGen C4707243, MONDO:0019625.

Submission:

Ambry Genetics
Classification: Uncertain significance for Familial thoracic aortic aneurysm and aortic dissection. Last evaluated: 2024-10-21. Review status: criteria provided, single submitter. Criteria: Ambry Variant Classification Scheme 2023. Collection method: clinical testing. Allele origin: germline.
Comment: The p.N1403S variant (also known as c.4208A>G), located in coding exon 30 of the MYH11 gene, results from an A to G substitution at nucleotide position 4208. The asparagine at codon 1403 is replaced by serine, an amino acid with highly similar properties. This amino acid position is conserved. In addition, this alteration is predicted to be tolerated by in silico analysis. Based on the available evidence, the clinical significance of this variant remains unclear.

NM_002474.3(MYH11):c.4208A>G (p.Asn1403Ser)

Genes: NDE1 (nudE neurodevelopment protein 1; plus strand), MYH11 (myosin heavy chain 11; minus strand). Cytogenetic location: 16p13.11.
Variant type: single nucleotide variant.
Coding change: c.4208A>G on transcript NM_002474.3 (MANE Select); coding-DNA position 4208, A replaced by G.
Protein change: p.Asn1403Ser; replaces asparagine 1403 with serine.
Molecular consequence: missense variant. On other transcripts: 3 prime UTR variant (2).
Genome position (GRCh38, 1-based): chr16:15,724,318, T>C on the plus strand (A>G on the coding strand, the complement: MYH11 is on the minus strand). VCF-style: chr16-15724318-T-C. GRCh37 (hg19) VCF-style: chr16-15818175-T-C.
Other names: c.4229A>G, p.Asn1410Ser (NM_001040113.2, NM_001040114.2); c.4208A>G, p.Asn1403Ser (NM_022844.3); c.*67T>C (NM_001143979.2, NM_017668.3); short protein forms N1403S, N1410S.
Identifiers: ClinVar variation 3400645 (VCV003400645.1).